The following is an entry in ClinVar:

NM_020937.4(FANCM):c.2040A>T (p.Leu680Phe)

Gene: FANCM (FA complementation group M; plus strand). Cytogenetic location: 14q21.2.
Variant type: single nucleotide variant.
Coding change: c.2040A>T on transcript NM_020937.4 (MANE Select); coding-DNA position 2040, A replaced by T.
Protein change: p.Leu680Phe; replaces leucine 680 with phenylalanine.
Molecular consequence: missense variant.
Genome position (GRCh38, 1-based): chr14:45,170,626, A>T. VCF-style: chr14-45170626-A-T. GRCh37 (hg19) VCF-style: chr14-45639829-A-T.
Other names: c.1962A>T, p.Leu654Phe (NM_001308133.2); short protein forms L654F, L680F.
Identifiers: ClinVar variation 2194912 (VCV002194912.4), dbSNP rs757377506, ClinGen allele CA7169227.

ClinVar aggregate classification (germline): Uncertain significance (1 of 4 stars; one submission).

Conditions:
Fanconi anemia (FA). Also called: Fanconi's anemia. Identifiers: Orphanet 84, MedGen C0015625, MeSH D005199, MONDO:0019391.

Allele frequency attached by ClinVar (database versions not stated): ExAC 0.00001; gnomAD 0.00001; TOPMed 0.00001.
gnomAD v4.1: 2 of 1,600,736 alleles (0.00012%); highest among the groups gnomAD compares: East Asian, 0.0045%; no homozygotes.

Submission:

Labcorp Genetics (formerly Invitae), Labcorp
Classification: Uncertain significance for Fanconi anemia. Last evaluated: 2025-02-06. Review status: criteria provided, single submitter. Criteria: Invitae Variant Classification Sherloc (09022015). Collection method: clinical testing. Allele origin: germline.
Comment: This sequence change replaces leucine, which is neutral and non-polar, with phenylalanine, which is neutral and non-polar, at codon 680 of the FANCM protein (p.Leu680Phe). This variant is present in population databases (rs757377506, gnomAD 0.006%). This variant has not been reported in the literature in individuals affected with FANCM-related conditions. ClinVar contains an entry for this variant (Variation ID: 2194912). An algorithm developed to predict the effect of missense changes on protein structure and function (PolyPhen-2) suggests that this variant is likely to be disruptive. In summary, the available evidence is currently insufficient to determine the role of this variant in disease. Therefore, it has been classified as a Variant of Uncertain Significance.